The following is an entry in ClinVar:

NM_001386140.1(MTTP):c.2167G>A (p.Asp723Asn)

Gene: MTTP (microsomal triglyceride transfer protein; plus strand). Cytogenetic location: 4q23.
Variant type: single nucleotide variant.
Coding change: c.2167G>A on transcript NM_001386140.1 (MANE Select); coding-DNA position 2167, G replaced by A.
Protein change: p.Asp723Asn; replaces aspartic acid 723 with asparagine.
Molecular consequence: missense variant.
Genome position (GRCh38, 1-based): chr4:99,613,090, G>A. VCF-style: chr4-99613090-G-A. GRCh37 (hg19) VCF-style: chr4-100534247-G-A.
Other names: c.2167G>A, p.Asp723Asn (NM_000253.4); c.1918G>A, p.Asp640Asn (NM_001300785.2); short protein forms D723N, D640N.
Identifiers: ClinVar variation 347043 (VCV000347043.37), dbSNP rs371023325, ClinGen allele CA3022298.

ClinVar aggregate classification (germline): Uncertain significance. Review status: criteria provided, multiple submitters, no conflicts (2 of 4 stars). 3 submissions from 3 submitters: Uncertain significance (2). 1 of the submissions does not count toward it. Last evaluated 2023-05-01.

Conditions:
Abetalipoproteinaemia (ABL). Also called: Abetalipoproteinemia; Abetalipoproteinemia neuropathy; Apolipoprotein B deficiency; Congenital betalipoprotein deficiency syndrome; MTP DEFICIENCY. Identifiers: Orphanet 14, MedGen C0000744, MONDO:0008692, OMIM 200100, HP:0008181.

Allele frequency attached by ClinVar (database versions not stated): ExAC 0.00001; gnomAD exomes 0.00001 and 0.00002; TOPMed 0.00003; gnomAD 0.00004.
gnomAD v4.1: 20 of 1,613,848 alleles (0.0012%); highest among the groups gnomAD compares: Admixed American, 0.01%; no homozygotes.

Submissions (3):

CeGaT Center for Human Genetics Tuebingen
Classification: Uncertain significance. Last evaluated: 2023-05-01. Review status: criteria provided, single submitter. Criteria: CeGaT Center For Human Genetics Tuebingen Variant Classification Criteria Version 2. Collection method: clinical testing. Allele origin: germline. Affected: yes. Observed: 1 variant allele.
Comment: MTTP: PM2

Labcorp Genetics (formerly Invitae), Labcorp
Classification: Uncertain significance. Last evaluated: 2022-10-24. Review status: criteria provided, single submitter. Criteria: Invitae Variant Classification Sherloc (09022015). Collection method: clinical testing. Allele origin: germline.
Comment: This sequence change replaces aspartic acid, which is acidic and polar, with asparagine, which is neutral and polar, at codon 723 of the MTTP protein (p.Asp723Asn). This variant is present in population databases (rs371023325, gnomAD 0.007%). This variant has not been reported in the literature in individuals affected with MTTP-related conditions. ClinVar contains an entry for this variant (Variation ID: 347043). Advanced modeling of protein sequence and biophysical properties (such as structural, functional, and spatial information, amino acid conservation, physicochemical variation, residue mobility, and thermodynamic stability) performed at Invitae indicates that this missense variant is expected to disrupt MTTP protein function. In summary, the available evidence is currently insufficient to determine the role of this variant in disease. Therefore, it has been classified as a Variant of Uncertain Significance.

Natera, Inc.
Classification: Uncertain significance for Abetalipoproteinemia. Last evaluated: 2020-11-19. Review status: no assertion criteria provided. Collection method: clinical testing. Allele origin: germline. Not counted in ClinVar's aggregate classification.